The following is an entry in ClinVar:

NM_201384.3(PLEC):c.10707G>A (p.Glu3569=)

Gene: PLEC (plectin; minus strand). Cytogenetic location: 8q24.3.
Variant type: single nucleotide variant.
Coding change: c.10707G>A on transcript NM_201384.3 (MANE Select); coding-DNA position 10707, G replaced by A.
Protein change: p.Glu3569=; no amino-acid change (glutamic acid 3569 retained).
Molecular consequence: synonymous variant.
Genome position (GRCh38, 1-based): chr8:143,919,114, C>T on the plus strand (G>A on the coding strand, the complement: PLEC is on the minus strand). VCF-style: chr8-143919114-C-T. GRCh37 (hg19) VCF-style: chr8-144993282-C-T.
Other names: c.10788G>A, p.Glu3596= (NM_000445.5); c.7407G>A, p.Glu2469= (NM_001410941.1); c.10665G>A, p.Glu3555= (NM_201378.4); c.10641G>A, p.Glu3547= (NM_201379.3); c.11118G>A, p.Glu3706= (NM_201380.4); c.10611G>A, p.Glu3537= (NM_201381.3); c.10707G>A, p.Glu3569= (NM_201382.4); c.10719G>A, p.Glu3573= (NM_201383.3).
Identifiers: ClinVar variation 3049711 (VCV003049711.2), dbSNP rs782029341, ClinGen allele CA4924558.
Genomic context (GRCh38, chr8:143,919,114, plus strand): 5'-CTCCCACAGGGACATGGTGGAGCCGCCGTGGCTGCCGCCGCCGGGAATGTCGATCTGTGT[C>T]TCTTCAAATGCCCTTCTTGTCTCCTCCTCAGTGTACACCTGCGTGGTCTCCACCACCTCA-3'
Protein context (NP_958786.1, residues 3559-3579): TEEETRRAFE[Glu3569=]TQIDIPGGGS

ClinVar aggregate classification (germline): Likely benign (0 of 4 stars; one submission).

Conditions:
PLEC-related disorder. Also called: PLEC-related disorders; PLEC-related condition.

Allele frequency attached by ClinVar (database versions not stated): TOPMed below 0.00001; ExAC 0.00001.
gnomAD v4.1: 3 of 1,612,972 alleles (0.00019%); highest among the groups gnomAD compares: East Asian, 0.0045%; no homozygotes.

Submission:

PreventionGenetics, part of Exact Sciences
Classification: Likely benign for PLEC-related condition. Last evaluated: 2019-07-16. Review status: no assertion criteria provided. Collection method: clinical testing. Allele origin: germline.
Comment: This variant is classified as likely benign based on ACMG/AMP sequence variant interpretation guidelines (Richards et al. 2015 PMID: 25741868, with internal and published modifications).